The following is an entry in ClinVar:

ClinVar aggregate classification (germline): Conflicting classifications of pathogenicity. Review status: criteria provided, conflicting classifications (1 of 4 stars). 6 submissions from 4 submitters: Uncertain significance (3); Benign (1); Likely benign (2). Last evaluated 2026-02-01.

Conditions:
Inborn genetic diseases. Identifiers: MedGen C0950123, MeSH D030342.
Age related macular degeneration 5. Identifiers: MedGen C3151063, MONDO:0013409, OMIM 613761.
Cerebrooculofacioskeletal syndrome 1 (COFS1). Also called: Cerebro-oculo-facio-skeletal syndrome 1. Identifiers: MedGen C0220722, MONDO:0008955, OMIM 214150.
Cockayne syndrome type 2 (CSB). Also called: Cockayne Syndrome, Type II; COCKAYNE SYNDROME B. Identifiers: Orphanet 191, Orphanet 90322, MedGen C0751038, MONDO:0019570, OMIM 133540.

Allele frequency attached by ClinVar (database versions not stated): gnomAD exomes 0.00009 and 0.00018; ExAC 0.00023; 1000 Genomes Project 30x 0.00047; 1000 Genomes Project 0.00060; ESP Exome Variant Server 0.00069; TOPMed 0.00073; gnomAD 0.00074 and 0.00081.
gnomAD v4.1: 241 of 1,614,016 alleles (0.015%); highest among the groups gnomAD compares: African/African-American, 0.27%; 2 homozygotes.

Submissions (6):

Labcorp Genetics (formerly Invitae), Labcorp
Classification: Benign. Last evaluated: 2026-02-01. Review status: criteria provided, single submitter. Criteria: Invitae Variant Classification Sherloc (09022015). Collection method: clinical testing. Allele origin: germline.

GeneDx
Classification: Uncertain significance. Last evaluated: 2024-10-24. Review status: criteria provided, single submitter. Criteria: GeneDx Variant Classification Process June 2021. Collection method: clinical testing. Allele origin: germline. Affected: yes.
Comment: In silico analysis indicates that this missense variant does not alter protein structure/function; Has not been previously published as pathogenic or benign to our knowledge

Ambry Genetics
Classification: Likely benign for Inborn genetic diseases. Last evaluated: 2024-10-20. Review status: criteria provided, single submitter. Criteria: Ambry Variant Classification Scheme 2023. Collection method: clinical testing. Allele origin: germline.

Illumina Laboratory Services, Illumina
Classification: Likely benign for Age related macular degeneration 5. Last evaluated: 2018-01-13. Review status: criteria provided, single submitter. Criteria: ICSL Variant Classification Criteria 13 December 2019. Collection method: clinical testing. Allele origin: germline.
Comment: This variant was observed in the ICSL laboratory as part of a predisposition screen in an ostensibly healthy population. It had not been previously curated by ICSL or reported in the Human Gene Mutation Database (HGMD: prior to June 1st, 2018), and was therefore a candidate for classification through an automated scoring system. Utilizing variant allele frequency, disease prevalence and penetrance estimates, and inheritance mode, an automated score was calculated to assess if this variant is too frequent to cause the disease. Based on the score and internal cut-off values, a variant classified as likely benign is not then subjected to further curation. The score for this variant resulted in a classification of likely benign for this disease.

Illumina Laboratory Services, Illumina
Classification: Uncertain significance for Cockayne syndrome type 2. Last evaluated: 2018-01-13. Review status: criteria provided, single submitter. Criteria: ICSL Variant Classification Criteria 13 December 2019. Collection method: clinical testing. Allele origin: germline.

Illumina Laboratory Services, Illumina
Classification: Uncertain significance for Cerebrooculofacioskeletal syndrome 1. Last evaluated: 2018-01-13. Review status: criteria provided, single submitter. Criteria: ICSL Variant Classification Criteria 13 December 2019. Collection method: clinical testing. Allele origin: germline.

NM_000124.4(ERCC6):c.1159G>A (p.Glu387Lys)

Genes: ERCC6 (ERCC excision repair 6, chromatin remodeling factor; minus strand), PGBD3 (piggyBac transposable element derived 3; minus strand). Cytogenetic location: 10q11.23.
Variant type: single nucleotide variant.
Coding change: c.1159G>A on transcript NM_000124.4 (MANE Select); coding-DNA position 1159, G replaced by A.
Protein change: p.Glu387Lys; replaces glutamic acid 387 with lysine.
Molecular consequence: missense variant. On other transcripts: 5 prime UTR variant (1).
Genome position (GRCh38, 1-based): chr10:49,524,271, C>T on the plus strand (G>A on the coding strand, the complement: ERCC6 is on the minus strand). VCF-style: chr10-49524271-C-T. GRCh37 (hg19) VCF-style: chr10-50732317-C-T.
Other names: c.1159G>A, p.Glu387Lys (NM_001277058.2, NM_001277059.2, NM_001346440.2); c.-246G>A (NM_170753.3); short protein forms E387K.
Identifiers: ClinVar variation 300085 (VCV000300085.17), dbSNP rs148295935, ClinGen allele CA5496377.